The following is an entry in ClinVar:

ClinVar aggregate classification (germline): Pathogenic/Likely pathogenic. Review status: criteria provided, multiple submitters, no conflicts (2 of 4 stars). 3 submissions from 3 submitters: Pathogenic (1); Likely pathogenic (2). Last evaluated 2022-11-01.

Conditions:
Asphyxiating thoracic dystrophy 4 (SRTD4). Also called: SHORT-RIB THORACIC DYSPLASIA 4 WITH OR WITHOUT POLYDACTYLY; SHORT-RIB THORACIC DYSPLASIA 4. Identifiers: Orphanet 474, MedGen C3151185, MONDO:0013441, OMIM 613819.
Nephronophthisis 12 (NPHP12). Identifiers: Orphanet 655, MedGen C3151186, MONDO:0013442, OMIM 613820.
Jeune thoracic dystrophy. Also called: Infantile thoracic dystrophy; Thoracic pelvic phalangeal dystrophy; Jeune's syndrome; Chondroectodermal dysplasia-like syndrome; Jeune syndrome; Short-rib thoracic dysplasia. Identifiers: Orphanet 474, MedGen C0265275, MONDO:0018770.
Nephronophthisis. Also called: Juvenile Nephronophthisis. Identifiers: Orphanet 655, MedGen C0687120, MONDO:0019005, HP:0000090.
TTC21B-related disorder. Also called: TTC21B-related disorders; TTC21B-related condition.

Allele frequency attached by ClinVar (database versions not stated): gnomAD exomes 0.00001; gnomAD 0.00002; TOPMed 0.00003.

Submissions (3):

Blueprint Genetics
Classification: Likely pathogenic for TTC21B-related disorders. Last evaluated: 2022-11-01. Review status: criteria provided, single submitter. Criteria: ACMG Guidelines, 2015. Collection method: clinical testing. Allele origin: germline. Affected: yes. Observed: 2 variant alleles.

Labcorp Genetics (formerly Invitae), Labcorp
Classification: Pathogenic for Jeune thoracic dystrophy; Nephronophthisis. Last evaluated: 2022-05-15. Review status: criteria provided, single submitter. Criteria: Invitae Variant Classification Sherloc (09022015). Collection method: clinical testing. Allele origin: germline.
Comment: For these reasons, this variant has been classified as Pathogenic. This variant has not been reported in the literature in individuals affected with TTC21B-related conditions. This variant is present in population databases (no rsID available, gnomAD 0.002%). This sequence change creates a premature translational stop signal (p.Met828Asnfs*15) in the TTC21B gene. It is expected to result in an absent or disrupted protein product. Loss-of-function variants in TTC21B are known to be pathogenic (PMID: 18327258, 21068128, 21258341, 23559409, 24876116, 25492405, 27491411, 29068549).

Fulgent Genetics
Classification: Likely pathogenic for Asphyxiating thoracic dystrophy 4; Nephronophthisis 12. Last evaluated: 2022-01-08. Review status: criteria provided, single submitter. Criteria: ACMG Guidelines, 2015. Collection method: clinical testing. Allele origin: unknown.

Literature cited by the submitters: PubMed 18327258 (cited by Labcorp Genetics (formerly Invitae), Labcorp); PubMed 21068128 (cited by Labcorp Genetics (formerly Invitae), Labcorp); PubMed 21258341 (cited by Labcorp Genetics (formerly Invitae), Labcorp); PubMed 23559409 (cited by Labcorp Genetics (formerly Invitae), Labcorp); PubMed 24876116 (cited by Labcorp Genetics (formerly Invitae), Labcorp); PubMed 25492405 (cited by Labcorp Genetics (formerly Invitae), Labcorp); PubMed 27491411 (cited by Labcorp Genetics (formerly Invitae), Labcorp); PubMed 29068549 (cited by Labcorp Genetics (formerly Invitae), Labcorp).

NM_024753.5(TTC21B):c.2482dup (p.Met828fs)

Gene: TTC21B (tetratricopeptide repeat domain 21B; minus strand). Cytogenetic location: 2q24.3.
Variant type: Duplication.
Coding change: c.2482dup on transcript NM_024753.5 (MANE Select); coding-DNA position 2482, one base duplicated (A; older notation c.2482dupA).
Protein change: p.Met828fs; shifts the reading frame from methionine 828.
Molecular consequence: frameshift variant.
Genome position (GRCh38, 1-based): chr2:165,907,764, T duplicated on the plus strand (A on the coding strand, the reverse complement: TTC21B is on the minus strand). VCF-style (leftmost placement, unchanged base first): chr2-165907763-A-AT. GRCh37 (hg19) VCF-style: chr2-166764273-A-AT.
Other names: short protein forms M828fs.
Identifiers: ClinVar variation 1453748 (VCV001453748.8), dbSNP rs906032090, ClinGen allele CA59792819.